The following is an entry in ClinVar:

ClinVar aggregate classification (germline): Uncertain significance (1 of 4 stars; one submission).

Submission:

GeneDx
Classification: Uncertain significance. Last evaluated: 2019-09-16. Review status: criteria provided, single submitter. Criteria: GeneDx Variant Classification Process June 2021. Collection method: clinical testing. Allele origin: germline. Affected: yes.
Comment: Not observed in large population cohorts (Lek et al., 2016); In silico analysis, which includes protein predictors and evolutionary conservation, supports that this variant does not alter protein structure/function; Has not been previously published as pathogenic or benign to our knowledge

NM_170606.3(KMT2C):c.7648C>G (p.Gln2550Glu)

Gene: KMT2C (lysine methyltransferase 2C; minus strand). Cytogenetic location: 7q36.1.
Variant type: single nucleotide variant.
Coding change: c.7648C>G on transcript NM_170606.3 (MANE Select); coding-DNA position 7648, C replaced by G.
Protein change: p.Gln2550Glu; replaces glutamine 2550 with glutamic acid.
Molecular consequence: missense variant.
Genome position (GRCh38, 1-based): chr7:152,177,805, G>C on the plus strand (C>G on the coding strand, the complement: KMT2C is on the minus strand). VCF-style: chr7-152177805-G-C. GRCh37 (hg19) VCF-style: chr7-151874890-G-C.
Other names: short protein forms Q2550E.
Identifiers: ClinVar variation 1311825 (VCV001311825.2), dbSNP rs2129115428, ClinGen allele CA370085953.